The following is an entry in ClinVar:

ClinVar aggregate classification (germline): Pathogenic (1 of 4 stars; one submission).

Conditions:
Intellectual disability, X-linked, with or without seizures, ARX-related. Also called: INTELLECTUAL DEVELOPMENTAL DISORDER, X-LINKED 29; Mental retardation, X-linked 52; MENTAL RETARDATION, X-LINKED 29; MENTAL RETARDATION, X-LINKED 32; MENTAL RETARDATION, X-LINKED 33; MENTAL RETARDATION, X-LINKED 38. Identifiers: Orphanet 777, MedGen C0796244, MONDO:0010317, OMIM 300419.

Submission:

Victorian Clinical Genetics Services, Murdoch Childrens Research Institute
Classification: Pathogenic for Intellectual disability, X-linked, with or without seizures, ARX-related. Last evaluated: 2022-02-02. Review status: criteria provided, single submitter. Criteria: ACMG Guidelines, 2015. Collection method: clinical testing. Allele origin: germline. Inheritance: X-linked inheritance.
Comment: Based on the classification scheme VCGS_Germline_v1.3.4, this variant is classified as Pathogenic. Following criteria are met: 0102 - Loss of function is a known mechanism of disease in this gene and is associated with ARX-related intellectual disability. Variants predicted to result in nonsense-mediated decay (NMD) have been reported in patients with hydranencephaly with abnormal genitalia, X-linked lissencephaly 2 (MIM#300215) and Proud syndrome (MIM#300004). Expansions of the poly-alanine tract have been reported in patients with early infantile epileptic encephalopathy 1 (MIM#308350), Partington syndrome (MIM#309510) and X-linked intellectual disability 29 (MIM#300419). Missense variants have variable phenotypic presentation and have been reported in patients with all aforementioned phenotypes (OMIM, PMID: 21496008, PMID: 14722918, PMID: 19738637). (I) 0109 - This gene is associated with X-linked disease. Females with NMD variants have been reported as both healthy carriers, or symptomatic, even within the same families. Phenotypic presentation has not been found to be linked to X-inactivation skewing (PMID: 14722918, PMID: 28150386, PMID: 32519823). (I) 0115 - Variants in this gene are known to have variable expressivity, with intra- and interfamilial pleiotrophy (OMIM, PMID: 14722918). (I) 0201 - Variant is predicted to cause nonsense-mediated decay (NMD) and loss of protein (premature termination codon is located at least 54 nucleotides upstream of the final exon-exon junction). (SP) 0251 - This variant is heterozygous. (I) 0301 - Variant is absent from gnomAD (both v2 and v3). (SP) 0701 - Other NMD-predicted variants comparable to the one identified in this case have very strong previous evidence for pathogenicity. These variants have been reported in hemizygous males with brain malformation phenotypes including hydranencephaly, lissencephaly with abnormal genitalia and Proud syndrome (Decipher, ClinVar, PMID: 14722918). Symptomatic heterozygous females have been reported with agenesis of the corpus callosum and/or intellectual disability and seizures (PMID: 32519823, PMID: 28150386). (SP) 0807 - This variant has no previous evidence of pathogenicity. (I) 0905 - No published segregation evidence has been identified for this variant. (I) 1007 - No published functional evidence has been identified for this variant. (I) Legend: (SP) - Supporting pathogenic, (I) - Information, (SB) - Supporting benign

Literature cited by the submitters: PubMed 14722918; PubMed 19738637; PubMed 21496008; PubMed 28150386; PubMed 32519823.

NM_139058.3(ARX):c.502_503dup (p.Ser168fs)

Gene: ARX (aristaless related homeobox; minus strand). Cytogenetic location: Xp21.3.
Variant type: Duplication.
Coding change: c.502_503dup on transcript NM_139058.3 (MANE Select); coding-DNA positions 502 to 503, 2 bases duplicated (AG; older notation c.502_503dupAG).
Protein change: p.Ser168fs; shifts the reading frame from serine 168.
Molecular consequence: frameshift variant.
Genome position (GRCh38, 1-based): chrX:25,013,492-25,013,493, CT duplicated on the plus strand (AG on the coding strand, the reverse complement: ARX is on the minus strand); duplicating any 2 consecutive bases within chrX:25,013,492-25,013,494 gives the same sequence; the c. name uses the placement nearest the transcript's 3' end. VCF-style (leftmost placement, unchanged base first): chrX-25013491-G-GCT. GRCh37 (hg19) VCF-style: chrX-25031608-G-GCT.
Other names: short protein forms S168fs.
Identifiers: ClinVar variation 1699422 (VCV001699422.4), dbSNP rs2147324110, ClinGen allele CA1139771217.